The following is an entry in ClinVar:

NM_000701.8(ATP1A1):c.1024-11A>G

Gene: ATP1A1 (ATPase Na+/K+ transporting subunit alpha 1; plus strand). Cytogenetic location: 1p13.1.
Variant type: single nucleotide variant.
Coding change: c.1024-11A>G on transcript NM_000701.8 (MANE Select); 11 bases into the intron before coding-DNA position 1024, A replaced by G.
Molecular consequence: intron variant.
Genome position (GRCh38, 1-based): chr1:116,390,202, A>G. VCF-style: chr1-116390202-A-G. GRCh37 (hg19) VCF-style: chr1-116932824-A-G.
Other names: c.1024-11A>G (NM_001160233.2); c.931-11A>G (NM_001160234.2).
Identifiers: ClinVar variation 1878766 (VCV001878766.1), dbSNP rs2525838033, ClinGen allele CA2580060861.
Genomic context (GRCh38, chr1:116,390,202, plus strand): 5'-GGATATAGCAAGAATCTGTATAGAATTCCAGCCTGGTTGAGTGAAGTAATAATCTTCCTA[A>G]TATTTTTTAGGTCTGTCTGACACTTACTGCCAAACGCATGGCAAGGAAAAACTGCTTAGT-3'

ClinVar aggregate classification (germline): Uncertain significance (1 of 4 stars; one submission).

Submission:

GeneDx
Classification: Uncertain significance. Last evaluated: 2022-06-03. Review status: criteria provided, single submitter. Criteria: GeneDx Variant Classification Process June 2021. Collection method: clinical testing. Allele origin: germline. Affected: yes.
Comment: Not observed at significant frequency in large population cohorts (gnomAD); In silico analysis supports a deleterious effect on splicing; Has not been previously published as pathogenic or benign to our knowledge